The following is an entry in ClinVar:

Conditions:
Developmental and epileptic encephalopathy. Identifiers: MedGen C5779964, MONDO:0100620.

Submission:

Channelopathy-Associated Epilepsy Research Center
No classification provided (evidence only). Condition: Developmental and epileptic encephalopathy. Review status: no classification provided. Collection method: literature only. Allele origin: not applicable. Functional consequence: Severe hyperpolarizing shift of voltage dependence of activation, Normal peak current, Normal slope of activation, Normal slope of fast inactivation, Normal voltage dependence of fast inactivation, Moderate increase in persistent current, Normal fast inactivation, Overall gain-of-function.
ClinVar note: "not provided" was previously submitted as the classification for the variant. However, the classification appeared to be based only on an observation of functional data so it was converted to no classification on 2025-07-30.

Literature cited by the submitters: PubMed 32515017.

NM_006922.4(SCN3A):c.5295G>C (p.Met1765Ile)

Gene: SCN3A (sodium voltage-gated channel alpha subunit 3; minus strand). Cytogenetic location: 2q24.3.
Variant type: single nucleotide variant.
Coding change: c.5295G>C on transcript NM_006922.4 (MANE Select); coding-DNA position 5295, G replaced by C.
Protein change: p.Met1765Ile; replaces methionine 1765 with isoleucine.
Molecular consequence: missense variant.
Genome position (GRCh38, 1-based): chr2:165,090,858, C>G on the plus strand (G>C on the coding strand, the complement: SCN3A is on the minus strand). VCF-style: chr2-165090858-C-G. GRCh37 (hg19) VCF-style: chr2-165947368-C-G.
Other names: c.5148G>C, p.Met1716Ile (NM_001081676.2, NM_001081677.2); short protein forms M1716I, M1765I.
Identifiers: ClinVar variation 3067171 (VCV003067171.2), dbSNP rs2105619771, ClinGen allele CA349016103.
Genomic context (GRCh38, chr2:165,090,858, plus strand): 5'-CAGGGGCTCTGCACTTTCTTCAGTAGCAACACTGAAGTTCTCCAGGATGACCGCGATGTA[C>G]ATGTTCACCACAACCAGGAAGGATATGATGATGTAACTGACAAAAAAGAAAATCCCAACA-3'
Protein context (NP_008853.3, residues 1755-1775): IIISFLVVVN[Met1765Ile]YIAVILENFS